The following is an entry in ClinVar:

NM_002439.5(MSH3):c.800C>T (p.Ala267Val)

Gene: MSH3 (mutS homolog 3; plus strand). Cytogenetic location: 5q14.1.
Variant type: single nucleotide variant.
Coding change: c.800C>T on transcript NM_002439.5 (MANE Select); coding-DNA position 800, C replaced by T.
Protein change: p.Ala267Val; replaces alanine 267 with valine.
Molecular consequence: missense variant.
Genome position (GRCh38, 1-based): chr5:80,672,251, C>T. VCF-style: chr5-80672251-C-T. GRCh37 (hg19) VCF-style: chr5-79968070-C-T.
Other names: c.800C>T (NM_002439.4); short protein forms A267V.
Identifiers: ClinVar variation 2868945 (VCV002868945.4), dbSNP rs1346905973, ClinGen allele CA360267065.
Genomic context (GRCh38, chr5:80,672,251, plus strand): 5'-ATAGGGAATCTTAAAATATAAATTTATTGATATTTTCTTTTTTCATTTTTTAGATTGCAG[C>T]CCGAGAGCTCAATATTTATTGCCATTTAGATCACAACTTTATGACAGCAAGTATACCTAC-3'
Protein context (NP_002430.3, residues 257-277): RFFGEDAEIA[Ala267Val]RELNIYCHLD

ClinVar aggregate classification (germline): Uncertain significance. Review status: criteria provided, multiple submitters, no conflicts (2 of 4 stars). 2 submissions from 2 submitters: Uncertain significance (2). Last evaluated 2025-03-17.

Allele frequency attached by ClinVar (database versions not stated): gnomAD exomes below 0.00001.

Submissions (2):

Quest Diagnostics Nichols Institute San Juan Capistrano
Classification: Uncertain significance. Last evaluated: 2025-03-17. Review status: criteria provided, single submitter. Criteria: Quest Diagnostics criteria. Collection method: clinical testing. Allele origin: unknown.
Comment: The MSH3 c.800C>T (p.Ala267Val) variant has not been reported in individuals with MSH3-related conditions in the published literature. The frequency of this variant in the general population (Genome Aggregation Database) is uninformative in the assessment of its pathogenicity. Analysis of this variant using bioinformatics tools for the prediction of the effect of amino acid changes on protein structure and function yielded predictions that this variant is damaging. Based on the available information, we are unable to determine the clinical significance of this variant.

Labcorp Genetics (formerly Invitae), Labcorp
Classification: Uncertain significance. Last evaluated: 2025-01-24. Review status: criteria provided, single submitter. Criteria: Invitae Variant Classification Sherloc (09022015). Collection method: clinical testing. Allele origin: germline.
Comment: This sequence change replaces alanine, which is neutral and non-polar, with valine, which is neutral and non-polar, at codon 267 of the MSH3 protein (p.Ala267Val). This variant is present in population databases (no rsID available, gnomAD 0.0009%). This variant has not been reported in the literature in individuals affected with MSH3-related conditions. ClinVar contains an entry for this variant (Variation ID: 2868945). An algorithm developed to predict the effect of missense changes on protein structure and function (PolyPhen-2) suggests that this variant is likely to be disruptive. In summary, the available evidence is currently insufficient to determine the role of this variant in disease. Therefore, it has been classified as a Variant of Uncertain Significance.